The following is an entry in ClinVar:

NM_000051.4(ATM):c.2987del (p.His996fs)

Gene: ATM (ATM serine/threonine kinase; plus strand). Cytogenetic location: 11q22.3.
Variant type: Deletion.
Coding change: c.2987del on transcript NM_000051.4 (MANE Select); coding-DNA position 2987, one base deleted (A; older notation c.2987delA).
Protein change: p.His996fs; shifts the reading frame from histidine 996.
Molecular consequence: frameshift variant.
Genome position (GRCh38, 1-based): chr11:108,271,316, A deleted. VCF-style (leftmost placement, unchanged base first): chr11-108271315-CA-C. GRCh37 (hg19) VCF-style: chr11-108142042-CA-C.
Other names: c.2987del, p.His996fs (NM_001351834.2); short protein forms H996fs.
Identifiers: ClinVar variation 3967446 (VCV003967446.1).

ClinVar aggregate classification (germline): Pathogenic (1 of 4 stars; one submission).

Conditions:
Hereditary cancer-predisposing syndrome. Also called: Tumor predisposition; Hereditary neoplastic syndrome; Hereditary Cancer Syndrome; Neoplastic Syndromes, Hereditary. Identifiers: Orphanet 140162, MedGen C0027672, MeSH D009386, MONDO:0015356.

Submission:

Ambry Genetics
Classification: Pathogenic for Hereditary cancer-predisposing syndrome. Last evaluated: 2025-06-02. Review status: criteria provided, single submitter. Criteria: Ambry Variant Classification Scheme 2023. Collection method: clinical testing. Allele origin: germline.
Comment: The c.2987delA variant, located in coding exon 19 of the ATM gene, results from a deletion of one nucleotide at nucleotide position 2987, causing a translational frameshift with a predicted alternate stop codon (p.H996Lfs*2). This alteration is expected to result in loss of function by premature protein truncation or nonsense-mediated mRNA decay. As such, this alteration is interpreted as a disease-causing mutation.